The following is an entry in ClinVar:

ClinVar aggregate classification (germline): Uncertain significance (1 of 4 stars; one submission).

Submission:

GeneDx
Classification: Uncertain significance. Last evaluated: 2023-11-20. Review status: criteria provided, single submitter. Criteria: GeneDx Variant Classification Process June 2021. Collection method: clinical testing. Allele origin: germline. Affected: yes.
Comment: Nonsense variant predicted to result in protein truncation or nonsense mediated decay in a gene or region of a gene for which loss of function is not a well-established mechanism of disease; Not observed at significant frequency in large population cohorts (gnomAD); Has not been previously published as pathogenic or benign to our knowledge

NM_001792.5(CDH2):c.2419C>T (p.Arg807Ter)

Genes: CDH2 (cadherin 2; minus strand), CDH2-AS1 (CDH2 antisense RNA 1; plus strand). Cytogenetic location: 18q12.1.
Variant type: single nucleotide variant.
Coding change: c.2419C>T on transcript NM_001792.5 (MANE Select); coding-DNA position 2419, C replaced by T.
Protein change: p.Arg807Ter; replaces arginine 807 with a stop codon.
Molecular consequence: nonsense.
Genome position (GRCh38, 1-based): chr18:27,963,452, G>A on the plus strand (C>T on the coding strand, the complement: CDH2 is on the minus strand). VCF-style: chr18-27963452-G-A. GRCh37 (hg19) VCF-style: chr18-25543416-G-A.
Other names: c.2326C>T, p.Arg776Ter (NM_001308176.2); short protein forms R776*, R807*.
Identifiers: ClinVar variation 3343208 (VCV003343208.1).